The following is an entry in ClinVar:

NM_025207.5(FLAD1):c.1566C>T (p.Tyr522=)

Gene: FLAD1 (flavin adenine dinucleotide synthetase 1; plus strand). Cytogenetic location: 1q21.3.
Variant type: single nucleotide variant.
Coding change: c.1566C>T on transcript NM_025207.5 (MANE Select); coding-DNA position 1566, C replaced by T.
Protein change: p.Tyr522=; no amino-acid change (tyrosine 522 retained).
Molecular consequence: synonymous variant.
Genome position (GRCh38, 1-based): chr1:154,992,724, C>T. VCF-style: chr1-154992724-C-T. GRCh37 (hg19) VCF-style: chr1-154965200-C-T.
Other names: c.1275C>T, p.Tyr425= (NM_001184891.2, NM_201398.3).
Identifiers: ClinVar variation 390893 (VCV000390893.33), dbSNP rs148439225, ClinGen allele CA1134626.

ClinVar aggregate classification (germline): Likely benign. Review status: criteria provided, multiple submitters, no conflicts (2 of 4 stars). 4 submissions from 4 submitters: Likely benign (4). Last evaluated 2026-01-26.

Allele frequency attached by ClinVar (database versions not stated): ESP Exome Variant Server 0.00008; gnomAD exomes 0.00017 and 0.00025; gnomAD 0.00020 and 0.00023; TOPMed 0.00024; ExAC 0.00028.

Submissions (4):

Labcorp Genetics (formerly Invitae), Labcorp
Classification: Likely benign. Last evaluated: 2026-01-26. Review status: criteria provided, single submitter. Criteria: Invitae Variant Classification Sherloc (09022015). Collection method: clinical testing. Allele origin: germline.

Blueprint Genetics
Classification: Likely benign. Last evaluated: 2024-04-08. Review status: criteria provided, single submitter. Criteria: ACMG Guidelines, 2015. Collection method: clinical testing. Allele origin: germline.

CeGaT Center for Human Genetics Tuebingen
Classification: Likely benign. Last evaluated: 2022-10-01. Review status: criteria provided, single submitter. Criteria: CeGaT Center For Human Genetics Tuebingen Variant Classification Criteria Version 2. Collection method: clinical testing. Allele origin: germline. Affected: yes. Observed: 1 variant allele.
Comment: FLAD1: BP4, BP7

GeneDx
Classification: Likely benign. Last evaluated: 2018-09-22. Review status: criteria provided, single submitter. Criteria: GeneDx Variant Classification Process June 2021. Collection method: clinical testing. Allele origin: germline. Affected: yes.